The following is an entry in ClinVar:

ClinVar aggregate classification (germline): Uncertain significance (1 of 4 stars; one submission).

Submission:

Labcorp Genetics (formerly Invitae), Labcorp
Classification: Uncertain significance. Last evaluated: 2024-01-19. Review status: criteria provided, single submitter. Criteria: Invitae Variant Classification Sherloc (09022015). Collection method: clinical testing. Allele origin: germline.
Comment: This sequence change replaces aspartic acid, which is acidic and polar, with asparagine, which is neutral and polar, at codon 2684 of the ASPM protein (p.Asp2684Asn). This variant is not present in population databases (gnomAD no frequency). This variant has not been reported in the literature in individuals affected with ASPM-related conditions. ClinVar contains an entry for this variant (Variation ID: 1387892). Algorithms developed to predict the effect of missense changes on protein structure and function output the following: SIFT: "Not Available"; PolyPhen-2: "Benign"; Align-GVGD: "Not Available". The asparagine amino acid residue is found in multiple mammalian species, which suggests that this missense change does not adversely affect protein function. In summary, the available evidence is currently insufficient to determine the role of this variant in disease. Therefore, it has been classified as a Variant of Uncertain Significance.

NM_018136.5(ASPM):c.8050G>A (p.Asp2684Asn)

Gene: ASPM (assembly factor for spindle microtubules; minus strand). Cytogenetic location: 1q31.3.
Variant type: single nucleotide variant.
Coding change: c.8050G>A on transcript NM_018136.5 (MANE Select); coding-DNA position 8050, G replaced by A.
Protein change: p.Asp2684Asn; replaces aspartic acid 2684 with asparagine.
Molecular consequence: missense variant. On other transcripts: intron variant (1).
Genome position (GRCh38, 1-based): chr1:197,101,201, C>T on the plus strand (G>A on the coding strand, the complement: ASPM is on the minus strand). VCF-style: chr1-197101201-C-T. GRCh37 (hg19) VCF-style: chr1-197070331-C-T.
Other names: c.4066-5037G>A (NM_001206846.2); short protein forms D2684N.
Identifiers: ClinVar variation 1387892 (VCV001387892.6), dbSNP rs1263224475, ClinGen allele CA344014219.
Genomic context (GRCh38, chr1:197,101,201, plus strand): 5'-CCCTGTGCATTCGATAGAATGACTGAATTAGTGTGGCAGCCCGGTGCATATTTTGAATAT[C>T]CTTTCGTACTTTAAAGCCTCTGTAATAAGACTGTATACAAATAACTGCTTGGGTACGCAC-3'
Protein context (NP_060606.3, residues 2674-2694): SYYRGFKVRK[Asp2684Asn]IQNMHRAATL